The following is an entry in ClinVar:

ClinVar aggregate classification (germline): Conflicting classifications of pathogenicity. Review status: criteria provided, conflicting classifications (1 of 4 stars). 2 submissions from 2 submitters: Uncertain significance (1); Likely benign (1). Last evaluated 2025-06-18.

Conditions:
Genitopatellar syndrome (GTPTS). Also called: ABSENT PATELLAE, SCROTAL HYPOPLASIA, RENAL ANOMALIES, FACIAL DYSMORPHISM, AND MENTAL RETARDATION; Genitopatellar syndrome (GPS). Identifiers: Orphanet 85201, MedGen C1853566, MONDO:0011640, OMIM 606170.
Inborn genetic diseases. Identifiers: MedGen C0950123, MeSH D030342.

gnomAD v4.1: 13 of 1,614,032 alleles (0.00081%); highest among the groups gnomAD compares: East Asian, 0.0022%; no homozygotes.

Submissions (2):

Ambry Genetics
Classification: Likely benign for Inborn genetic diseases. Last evaluated: 2025-06-18. Review status: criteria provided, single submitter. Criteria: Ambry Variant Classification Scheme 2023. Collection method: clinical testing. Allele origin: germline.

Labcorp Genetics (formerly Invitae), Labcorp
Classification: Uncertain significance for Genitopatellar syndrome. Last evaluated: 2024-02-22. Review status: criteria provided, single submitter. Criteria: Invitae Variant Classification Sherloc (09022015). Collection method: clinical testing. Allele origin: germline.
Comment: This sequence change replaces isoleucine, which is neutral and non-polar, with valine, which is neutral and non-polar, at codon 617 of the KAT6B protein (p.Ile617Val). This variant is present in population databases (rs759212867, gnomAD 0.005%). This variant has not been reported in the literature in individuals affected with KAT6B-related conditions. An algorithm developed to predict the effect of missense changes on protein structure and function (PolyPhen-2) suggests that this variant is likely to be tolerated. In summary, the available evidence is currently insufficient to determine the role of this variant in disease. Therefore, it has been classified as a Variant of Uncertain Significance.

NM_012330.4(KAT6B):c.1849A>G (p.Ile617Val)

Gene: KAT6B (lysine acetyltransferase 6B; plus strand). Cytogenetic location: 10q22.2.
Variant type: single nucleotide variant.
Coding change: c.1849A>G on transcript NM_012330.4 (MANE Select); coding-DNA position 1849, A replaced by G.
Protein change: p.Ile617Val; replaces isoleucine 617 with valine.
Molecular consequence: missense variant. On other transcripts: intron variant (13).
Genome position (GRCh38, 1-based): chr10:74,976,186, A>G. VCF-style: chr10-74976186-A-G. GRCh37 (hg19) VCF-style: chr10-76735944-A-G.
Other names: c.1849A>G, p.Ile617Val (NM_001370136.1, NM_001370137.1); c.1117+732A>G (NM_001370139.1, NM_001370140.1, NM_001370141.1 and 3 more transcripts); c.1444+405A>G (NM_001370138.1, NM_001256468.2); c.846+6411A>G (NM_001370133.1); c.193-3038A>G (NM_001370134.1); c.929-1130A>G (NM_001370143.1, NM_001370144.1); c.193-12833A>G (NM_001370135.1); c.1849A>G (NM_012330.2); short protein forms I617V.
Identifiers: ClinVar variation 2920292 (VCV002920292.4), dbSNP rs759212867, ClinGen allele CA5564479.